The following is an entry in ClinVar:

NM_001079.4(ZAP70):c.437C>T (p.Ala146Val)

Gene: ZAP70 (zeta chain of T cell receptor associated protein kinase 70; plus strand). Cytogenetic location: 2q11.2.
Variant type: single nucleotide variant.
Coding change: c.437C>T on transcript NM_001079.4 (MANE Select); coding-DNA position 437, C replaced by T.
Protein change: p.Ala146Val; replaces alanine 146 with valine.
Molecular consequence: missense variant.
Genome position (GRCh38, 1-based): chr2:97,725,126, C>T. VCF-style: chr2-97725126-C-T. GRCh37 (hg19) VCF-style: chr2-98341589-C-T.
Other names: c.437C>T, p.Ala146Val (NM_001378594.1); c.437C>T (NM_001079.3); short protein forms A146V.
Identifiers: ClinVar variation 1059261 (VCV001059261.8), dbSNP rs1363566836, ClinGen allele CA347792281.
Genomic context (GRCh38, chr2:97,725,126, plus strand): 5'-AGACCTCCTCGCCTCTCCTTTTCTAGGGCGAGGCCCTGGAGCAGGCCATCATCAGCCAGG[C>T]CCCGCAGGTGGAGAAGCTCATTGCTACGACGGCCCACGAGCGGATGCCCTGGTACCACAG-3'
Protein context (NP_001070.2, residues 136-156): EALEQAIISQ[Ala146Val]PQVEKLIATT

ClinVar aggregate classification (germline): Uncertain significance. Review status: criteria provided, multiple submitters, no conflicts (2 of 4 stars). 2 submissions from 2 submitters: Uncertain significance (2). Last evaluated 2022-10-04.

Conditions:
Combined immunodeficiency due to ZAP70 deficiency (IMD48). Also called: Immunodeficiency 48; ZAP70 Deficiency. Identifiers: Orphanet 911, MedGen C2931299, MONDO:0010023, OMIM 269840.
Inborn genetic diseases. Identifiers: MedGen C0950123, MeSH D030342.

Allele frequency attached by ClinVar (database versions not stated): TOPMed below 0.00001; gnomAD 0.00001; gnomAD exomes 0.00001.
gnomAD v4.1: 4 of 1,613,994 alleles (0.00025%); highest among the groups gnomAD compares: Admixed American, 0.0033%; no homozygotes.

Submissions (2):

Ambry Genetics
Classification: Uncertain significance for Inborn genetic diseases. Last evaluated: 2022-10-04. Review status: criteria provided, single submitter. Criteria: Ambry Variant Classification Scheme 2023. Collection method: clinical testing. Allele origin: germline.

Labcorp Genetics (formerly Invitae), Labcorp
Classification: Uncertain significance for Combined immunodeficiency due to ZAP70 deficiency. Last evaluated: 2020-05-15. Review status: criteria provided, single submitter. Criteria: Invitae Variant Classification Sherloc (09022015). Collection method: clinical testing. Allele origin: germline.
Comment: In summary, the available evidence is currently insufficient to determine the role of this variant in disease. Therefore, it has been classified as a Variant of Uncertain Significance. Algorithms developed to predict the effect of sequence changes on RNA splicing suggest that this variant may create or strengthen a splice site, but this prediction has not been confirmed by published transcriptional studies. Algorithms developed to predict the effect of missense changes on protein structure and function are either unavailable or do not agree on the potential impact of this missense change (SIFT: "Not Available"; PolyPhen-2: "Probably Damaging"; Align-GVGD: "Not Available"). This variant has not been reported in the literature in individuals with ZAP70-related conditions. This variant is not present in population databases (ExAC no frequency). This sequence change replaces alanine with valine at codon 146 of the ZAP70 protein (p.Ala146Val). The alanine residue is highly conserved and there is a small physicochemical difference between alanine and valine.